The following is an entry in ClinVar:

NM_014679.5(CEP57):c.859G>A (p.Gly287Ser)

Gene: CEP57 (centrosomal protein 57; plus strand). Cytogenetic location: 11q21.
Variant type: single nucleotide variant.
Coding change: c.859G>A on transcript NM_014679.5 (MANE Select); coding-DNA position 859, G replaced by A.
Protein change: p.Gly287Ser; replaces glycine 287 with serine.
Molecular consequence: missense variant. On other transcripts: intron variant (4).
Genome position (GRCh38, 1-based): chr11:95,822,550, G>A. VCF-style: chr11-95822550-G-A. GRCh37 (hg19) VCF-style: chr11-95555714-G-A.
Other names: c.562G>A, p.Gly188Ser (NM_001440881.1); c.807+572G>A (NM_001243777.2); c.699+3646G>A (NM_001440874.1); c.690+572G>A (NM_001440876.1); c.582+3646G>A (NM_001440882.1); c.778G>A, p.Gly260Ser (NM_001440869.1, NM_001440870.1, NM_001363604.2); c.751G>A, p.Gly251Ser (NM_001440871.1); c.742G>A, p.Gly248Ser (NM_001440872.1); and 6 more; short protein forms G200S, G212S, G221S, G224S, G260S, G278S, G287S, G248S.
Identifiers: ClinVar variation 4226336 (VCV004226336.1).

ClinVar aggregate classification (germline): Uncertain significance (1 of 4 stars; one submission).

Conditions:
Inborn genetic diseases. Identifiers: MedGen C0950123, MeSH D030342.

gnomAD v4.1: 1 of 1,613,744 alleles (0.000062%); highest among the groups gnomAD compares: Non-Finnish European, 0.000085%; no homozygotes.

Submission:

Ambry Genetics
Classification: Uncertain significance for Inborn genetic diseases. Last evaluated: 2025-06-28. Review status: criteria provided, single submitter. Criteria: Ambry Variant Classification Scheme 2023. Collection method: clinical testing. Allele origin: germline.
Comment: The p.G287S variant (also known as c.859G>A), located in coding exon 8 of the CEP57 gene, results from a G to A substitution at nucleotide position 859. The glycine at codon 287 is replaced by serine, an amino acid with similar properties. This amino acid position is conserved. In addition, this alteration is predicted to be tolerated by in silico analysis. Based on the available evidence, the clinical significance of this variant remains unclear.